The following is an entry in ClinVar:

NM_005591.4(MRE11):c.1058G>A (p.Gly353Asp)

Gene: MRE11 (MRE11 double strand break repair nuclease; minus strand). Cytogenetic location: 11q21.
Variant type: single nucleotide variant.
Coding change: c.1058G>A on transcript NM_005591.4 (MANE Select); coding-DNA position 1058, G replaced by A.
Protein change: p.Gly353Asp; replaces glycine 353 with aspartic acid.
Molecular consequence: missense variant.
Genome position (GRCh38, 1-based): chr11:94,467,853, C>T on the plus strand (G>A on the coding strand, the complement: MRE11 is on the minus strand). VCF-style: chr11-94467853-C-T. GRCh37 (hg19) VCF-style: chr11-94201019-C-T.
Other names: c.1058G>A, p.Gly353Asp (NM_001330347.2, NM_005590.4); short protein forms G353D.
Identifiers: ClinVar variation 656574 (VCV000656574.14), dbSNP rs758816510, ClinGen allele CA6235221.

ClinVar aggregate classification (germline): Uncertain significance. Review status: criteria provided, multiple submitters, no conflicts (2 of 4 stars). 3 submissions from 3 submitters: Uncertain significance (3). Last evaluated 2023-11-30.

Conditions:
Ataxia-telangiectasia-like disorder (ATLD). Identifiers: MedGen C1858391, MONDO:0011457.
Ataxia-telangiectasia-like disorder 1 (ATLD1). Identifiers: Orphanet 251347, MedGen C4012790, MONDO:0024557, OMIM 604391.
Hereditary cancer-predisposing syndrome. Also called: Hereditary neoplastic syndrome; Tumor predisposition; Neoplastic Syndromes, Hereditary; Hereditary Cancer Syndrome. Identifiers: Orphanet 140162, MedGen C0027672, MeSH D009386, MONDO:0015356.

Allele frequency attached by ClinVar (database versions not stated): ExAC 0.00001; gnomAD 0.00001; gnomAD exomes 0.00001; TOPMed 0.00001.
gnomAD v4.1: 4 of 1,613,556 alleles (0.00025%); highest among the groups gnomAD compares: Admixed American, 0.0067%; no homozygotes.

Submissions (3):

Baylor Genetics
Classification: Uncertain significance for Ataxia-telangiectasia-like disorder 1. Last evaluated: 2023-11-30. Review status: criteria provided, single submitter. Criteria: ACMG Guidelines, 2015. Collection method: clinical testing. Allele origin: unknown.

Labcorp Genetics (formerly Invitae), Labcorp
Classification: Uncertain significance for Ataxia-telangiectasia-like disorder. Last evaluated: 2023-09-05. Review status: criteria provided, single submitter. Criteria: Invitae Variant Classification Sherloc (09022015). Collection method: clinical testing. Allele origin: germline.
Comment: In summary, the available evidence is currently insufficient to determine the role of this variant in disease. Therefore, it has been classified as a Variant of Uncertain Significance. An algorithm developed to predict the effect of missense changes on protein structure and function (PolyPhen-2) suggests that this variant is likely to be tolerated. ClinVar contains an entry for this variant (Variation ID: 656574). This variant has not been reported in the literature in individuals affected with MRE11-related conditions. This variant is present in population databases (rs758816510, gnomAD 0.01%). This sequence change replaces glycine, which is neutral and non-polar, with aspartic acid, which is acidic and polar, at codon 353 of the MRE11 protein (p.Gly353Asp).

Ambry Genetics
Classification: Uncertain significance for Hereditary cancer-predisposing syndrome. Last evaluated: 2022-12-18. Review status: criteria provided, single submitter. Criteria: Ambry Variant Classification Scheme 2023. Collection method: clinical testing. Allele origin: germline.
Comment: The p.G353D variant (also known as c.1058G>A), located in coding exon 9 of the MRE11A gene, results from a G to A substitution at nucleotide position 1058. The glycine at codon 353 is replaced by aspartic acid, an amino acid with similar properties. This amino acid position is highly conserved in available vertebrate species. In addition, the in silico prediction for this alteration is inconclusive. Since supporting evidence is limited at this time, the clinical significance of this alteration remains unclear.